The following is an entry in ClinVar:

ClinVar aggregate classification (germline): Uncertain significance (1 of 4 stars; one submission).

Conditions:
Severe combined immunodeficiency due to LCK deficiency. Also called: Immunodeficiency 22. Identifiers: Orphanet 280142, MedGen C4014233, MONDO:0014334, OMIM 615758.

Allele frequency attached by ClinVar (database versions not stated): gnomAD exomes below 0.00001.
gnomAD v4.1: 1 of 1,614,154 alleles (0.000062%); highest among the groups gnomAD compares: South Asian, 0.0011%; no homozygotes.

Submission:

Labcorp Genetics (formerly Invitae), Labcorp
Classification: Uncertain significance for Severe combined immunodeficiency due to LCK deficiency. Last evaluated: 2021-08-31. Review status: criteria provided, single submitter. Criteria: Invitae Variant Classification Sherloc (09022015). Collection method: clinical testing. Allele origin: germline.
Comment: This sequence change replaces cysteine with tryptophan at codon 5 of the LCK protein (p.Cys5Trp). The cysteine residue is highly conserved and there is a large physicochemical difference between cysteine and tryptophan. This variant is not present in population databases (ExAC no frequency). This variant has not been reported in the literature in individuals affected with LCK-related conditions. Algorithms developed to predict the effect of missense changes on protein structure and function are either unavailable or do not agree on the potential impact of this missense change (SIFT: "Deleterious"; PolyPhen-2: "Possibly Damaging"; Align-GVGD: "Class C0"). In summary, the available evidence is currently insufficient to determine the role of this variant in disease. Therefore, it has been classified as a Variant of Uncertain Significance.

NM_005356.5(LCK):c.15C>G (p.Cys5Trp)

Gene: LCK (LCK proto-oncogene, Src family tyrosine kinase; plus strand). Cytogenetic location: 1p35.2.
Variant type: single nucleotide variant.
Coding change: c.15C>G on transcript NM_005356.5 (MANE Select); coding-DNA position 15, C replaced by G.
Protein change: p.Cys5Trp; replaces cysteine 5 with tryptophan.
Molecular consequence: missense variant.
Genome position (GRCh38, 1-based): chr1:32,274,344, C>G. VCF-style: chr1-32274344-C-G. GRCh37 (hg19) VCF-style: chr1-32739945-C-G.
Other names: c.15C>G, p.Cys5Trp (NM_001042771.3, NM_001330468.2); short protein forms C5W.
Identifiers: ClinVar variation 1516490 (VCV001516490.6), dbSNP rs1486428010, ClinGen allele CA339633907.